The following is an entry in ClinVar:

NM_007347.5(AP4E1):c.944-1G>C

Gene: AP4E1 (adaptor related protein complex 4 subunit epsilon 1; plus strand). Cytogenetic location: 15q21.2.
Variant type: single nucleotide variant.
Coding change: c.944-1G>C on transcript NM_007347.5 (MANE Select); the canonical splice acceptor site of the intron before coding-DNA position 944, G replaced by C.
Molecular consequence: splice acceptor variant.
Genome position (GRCh38, 1-based): chr15:50,941,441, G>C. VCF-style: chr15-50941441-G-C. GRCh37 (hg19) VCF-style: chr15-51233638-G-C.
Other names: c.719-1G>C (NM_001252127.2).
Identifiers: ClinVar variation 451529 (VCV000451529.3), dbSNP rs1555456727, ClinGen allele CA392416547.
Genomic context (GRCh38, chr15:50,941,441, plus strand): 5'-AAATACATTGTTTTGTTATACCTTACCATGATACCTGCCATTTTTATGTTTCTTTTTCTA[G>C]CTATTTTGTTTGAATGTGTGCATACAGTCTATTCTATTTATCCTAAATCGGAATTACTTG-3'

ClinVar aggregate classification (germline): Likely pathogenic. Review status: criteria provided, single submitter (1 of 4 stars). 2 submissions from 2 submitters: Likely pathogenic (1). 1 of the submissions does not count toward it. Last evaluated 2017-09-20.

Conditions:
Spastic paraplegia. Identifiers: MedGen C0037772, HP:0001258.

Allele frequency attached by ClinVar (database versions not stated): gnomAD exomes below 0.00001.
gnomAD v4.1: 1 of 1,611,740 alleles (0.000062%); highest among the groups gnomAD compares: Non-Finnish European, 0.000085%; no homozygotes.

Submissions (2):

GeneDx
Classification: Likely pathogenic. Last evaluated: 2017-09-20. Review status: criteria provided, single submitter. Criteria: GeneDx Variant Classification (06012015). Collection method: clinical testing. Allele origin: germline. Affected: yes.
Comment: The c.944-1G>C variant in the AP4E1 gene has not been reported previously as a pathogenic variant, nor as a benign variant, to our knowledge. This splice site variant is predicted to cause abnormal gene splicing resulting in an in-frame protein product with an abnormal message. The c.944-1G>C variant is not observed in large population cohorts (Lek et al., 2016; 1000 Genomes Consortium et al., 2015; Exome Variant Server). We interpret c.944-1G>C as a likely pathogenic variant.

Yale Center for Mendelian Genomics, Yale University
Classification: Likely pathogenic for Spastic paraplegia. Last evaluated: 2020-10-01. Review status: no assertion criteria provided. Collection method: literature only. Allele origin: germline. Affected: yes. Observed: 1 homozygote. Study: Yale Center for Mendelian Genomics. Not counted in ClinVar's aggregate classification.

Literature cited by the submitters: PubMed 32979048 (cited by Yale Center for Mendelian Genomics, Yale University).